The following is an entry in ClinVar:

ClinVar aggregate classification (germline): Uncertain significance (1 of 4 stars; one submission).

gnomAD v4.1: 3 of 1,613,518 alleles (0.00019%); highest among the groups gnomAD compares: Non-Finnish European, 0.00025%; no homozygotes.

Submission:

Labcorp Genetics (formerly Invitae), Labcorp
Classification: Uncertain significance. Last evaluated: 2025-09-05. Review status: criteria provided, single submitter. Criteria: Invitae Variant Classification Sherloc (09022015). Collection method: clinical testing. Allele origin: germline.
Comment: This sequence change replaces phenylalanine, which is neutral and non-polar, with leucine, which is neutral and non-polar, at codon 669 of the INSR protein (p.Phe669Leu). This variant is not present in population databases (gnomAD no frequency). This variant has not been reported in the literature in individuals affected with INSR-related conditions. Invitae Evidence Modeling of protein sequence and biophysical properties (such as structural, functional, and spatial information, amino acid conservation, physicochemical variation, residue mobility, and thermodynamic stability) indicates that this missense variant is not expected to disrupt INSR protein function with a negative predictive value of 95%. In summary, the available evidence is currently insufficient to determine the role of this variant in disease. Therefore, it has been classified as a Variant of Uncertain Significance.

NM_000208.4(INSR):c.2007C>G (p.Phe669Leu)

Gene: INSR (insulin receptor; minus strand). Cytogenetic location: 19p13.2.
Variant type: single nucleotide variant.
Coding change: c.2007C>G on transcript NM_000208.4 (MANE Select); coding-DNA position 2007, C replaced by G.
Protein change: p.Phe669Leu; replaces phenylalanine 669 with leucine.
Molecular consequence: missense variant.
Genome position (GRCh38, 1-based): chr19:7,163,054, G>C on the plus strand (C>G on the coding strand, the complement: INSR is on the minus strand). VCF-style: chr19-7163054-G-C. GRCh37 (hg19) VCF-style: chr19-7163065-G-C.
Other names: c.2007C>G, p.Phe669Leu (NM_001079817.3); short protein forms F669L.
Identifiers: ClinVar variation 4797772 (VCV004797772.1).